The following is an entry in ClinVar:

NM_014989.7(RIMS1):c.755T>C (p.Leu252Ser)

Gene: RIMS1 (regulating synaptic membrane exocytosis 1; plus strand). Cytogenetic location: 6q13.
Variant type: single nucleotide variant.
Coding change: c.755T>C on transcript NM_014989.7 (MANE Select); coding-DNA position 755, T replaced by C.
Protein change: p.Leu252Ser; replaces leucine 252 with serine.
Molecular consequence: missense variant.
Genome position (GRCh38, 1-based): chr6:72,179,858, T>C. VCF-style: chr6-72179858-T-C. GRCh37 (hg19) VCF-style: chr6-72889561-T-C.
Other names: c.755T>C (NM_014989.4); short protein forms L252S.
Identifiers: ClinVar variation 1907222 (VCV001907222.6), dbSNP rs375426622, ClinGen allele CA3885582.

ClinVar aggregate classification (germline): Uncertain significance. Review status: criteria provided, multiple submitters, no conflicts (2 of 4 stars). 2 submissions from 2 submitters: Uncertain significance (2). Last evaluated 2025-07-08.

Allele frequency attached by ClinVar (database versions not stated): gnomAD exomes 0.00001; ExAC 0.00005; gnomAD 0.00011; TOPMed 0.00011; 1000 Genomes Project 30x 0.00016; 1000 Genomes Project 0.00020; ESP Exome Variant Server 0.00024.
gnomAD v4.1: 36 of 1,602,466 alleles (0.0022%); highest among the groups gnomAD compares: African/African-American, 0.039%; no homozygotes.

Submissions (2):

Labcorp Genetics (formerly Invitae), Labcorp
Classification: Uncertain significance. Last evaluated: 2025-07-08. Review status: criteria provided, single submitter. Criteria: Invitae Variant Classification Sherloc (09022015). Collection method: clinical testing. Allele origin: germline.
Comment: This sequence change replaces leucine, which is neutral and non-polar, with serine, which is neutral and polar, at codon 252 of the RIMS1 protein (p.Leu252Ser). This variant is present in population databases (rs375426622, gnomAD 0.05%). This variant has not been reported in the literature in individuals affected with RIMS1-related conditions. ClinVar contains an entry for this variant (Variation ID: 1907222). An algorithm developed to predict the effect of missense changes on protein structure and function (PolyPhen-2) suggests that this variant is likely to be tolerated. In summary, the available evidence is currently insufficient to determine the role of this variant in disease. Therefore, it has been classified as a Variant of Uncertain Significance.

Ambry Genetics
Classification: Uncertain significance. Last evaluated: 2025-03-08. Review status: criteria provided, single submitter. Criteria: Ambry Variant Classification Scheme 2023. Collection method: clinical testing. Allele origin: germline.